The following continues an entry in ClinVar:

NM_000492.4(CFTR):c.1001G>A (p.Arg334Gln)

Gene: CFTR. ClinVar aggregate classification (germline): Conflicting classifications of pathogenicity. Pathogenic (2); Likely pathogenic (16); Uncertain significance (4).

Submissions 6 to 20 of 24:

Natera, Inc.
Classification: Likely pathogenic for CFTR-related disorders. Last evaluated: 2025-10-01. Review status: criteria provided, single submitter. Criteria: Natera Variant Classification Schema (03/2026). Collection method: clinical testing. Allele origin: germline.
Comment: The c.1001G>A variant in CFTR is a missense variant predicted to cause substitution of arginine to glutamine at amino acid 334. This variant is rare in the general population with a frequency below the threshold expected for the associated phenotype(s). This variant has been observed in one or more individuals affected with the associated recessive disease, as either homozygous or compound heterozygous with a second variant (PMID: 28546993). This variant has been found together with another disease-causing variant in the same copy of the gene (PMID: 31916691). Functional studies show that this variant may disrupt protein function (PMID: 29805046, 30046002). A different variant at the same position has been determined to be Pathogenic or Likely Pathogenic. Computational prediction algorithms indicate this variant is likely to affect gene or protein function. Given the available evidence, this variant is classified as Likely Pathogenic.

First Genomix Gene Laboratory, Genetic Diagnostics Department
Classification: Likely pathogenic for Congenital bilateral aplasia of vas deferens from CFTR mutation; Cystic fibrosis. Last evaluated: 2025-08-28. Review status: criteria provided, single submitter. Criteria: ACMG Guidelines, 2015. Collection method: clinical testing. Allele origin: germline. Inheritance: Autosomal recessive inheritance. Affected: no. Observed: 1 variant allele.

Mendelics
Classification: Likely pathogenic for Cystic fibrosis. Last evaluated: 2025-03-20. Review status: criteria provided, single submitter. Criteria: ACMG Guidelines, 2015. Collection method: clinical testing. Allele origin: unknown.
Comment: VarIant NM_000492.4(CFTR):c.1001G>A (p.Arg334Gln) has GnomAD 4.1 frequency of 0.0001846 with 0 homozygote. Reported as likely pathogenic in PMID 29805046

Ambry Genetics
Classification: Likely pathogenic for Cystic fibrosis. Last evaluated: 2024-12-16. Review status: criteria provided, single submitter. Criteria: Ambry Variant Classification Scheme 2023. Collection method: clinical testing. Allele origin: germline.
Comment: The p.R334Q variant (also known as c.1001G>A), located in coding exon 8 of the CFTR gene, results from a G to A substitution at nucleotide position 1001. The arginine at codon 334 is replaced by glutamine, an amino acid with highly similar properties. This variant has been detected in conjunction with a pathogenic mutation in multiple individuals with intermediate sweat chloride levels and/or CFTR-related disorders, as well as seeming healthy adults (Dayanga&ccedil; D et al. Hum Reprod, 2004 May;19:1094-100; Picci L et al. J Cyst Fibros, 2010 Jan;9:29-35; Behar DM et al. Mol Genet Genomic Med, 2017 May;5:223-236; Munck A et al. Pediatr Pulmonol, 2020 04;55:918-928; Ambry internal data). Although this variant did not completely abolish CFTR function, it impaired CFTR function significantly (Gong X et al. Arch. Biochem. Biophys., 2004 Jun;426:78-82; Linsdell P. Biochim Biophys Acta, 2015 Jul;1848:1573-90; Han ST et al. JCI Insight, 2018 07;3: Raraigh KS et al. Am J Hum Genet, 2018 06;102:1062-1077). In addition, the alteration has been reported as a variant of varying clinical consequences (VVCC) (Sosnay PR et al. Nat. Genet., 2013 Oct;45:1160-7; The Clinical and Functional TRanslation of CFTR (CFTR2); available at CFTR2. Accessed December 16, 2024). This amino acid position is highly conserved in available vertebrate species. In addition, this alteration is predicted to be deleterious by in silico analysis. Based on available evidence to date, this variant is unlikely to be causative of classic cystic fibrosis; however, it likely contributes to the development of a CFTR-related disorder. This alteration is thus classified as likely pathogenic.

Blueprint Genetics
Classification: Likely pathogenic for CFTR-related disorders. Last evaluated: 2024-07-23. Review status: criteria provided, single submitter. Criteria: ACMG Guidelines, 2015. Collection method: clinical testing. Allele origin: germline. Affected: yes. Observed: 5 variant alleles.

Fulgent Genetics
Classification: Likely pathogenic for Hereditary pancreatitis; Bronchiectasis with or without elevated sweat chloride 1; Cystic fibrosis; Congenital bilateral aplasia of vas deferens from CFTR mutation. Last evaluated: 2024-04-27. Review status: criteria provided, single submitter. Criteria: ACMG Guidelines, 2015. Collection method: clinical testing. Allele origin: germline.

Baylor Genetics
Classification: Likely pathogenic for Bronchiectasis with or without elevated sweat chloride 1. Last evaluated: 2024-03-30. Review status: criteria provided, single submitter. Criteria: ACMG Guidelines, 2015. Collection method: clinical testing. Allele origin: unknown.

Laboratory of Medical Genetics, National & Kapodistrian University of Athens
Classification: Pathogenic for Cystic fibrosis. Last evaluated: 2024-02-01. Review status: criteria provided, single submitter. Criteria: ACMG Guidelines, 2015. Collection method: curation. Allele origin: germline. Affected: no.

Quest Diagnostics Nichols Institute San Juan Capistrano
Classification: Uncertain significance. Last evaluated: 2023-06-17. Review status: criteria provided, single submitter. Criteria: Quest Diagnostics criteria. Collection method: clinical testing. Allele origin: unknown.
Comment: The CFTR c.1001G>A (p.Arg334Gln) variant has been reported in the published literature in individuals with congenital bilateral absence of the vas deferens (PMID: 15070876 (2004), 16126774 (2005), and 20100616 (2010)) and Cystic Fibrosis (PMID: 28546993 (2017), 31916691 (2020)). This variant was also found in unaffected individuals, one of whom also carried a pathogenic CFTR variant (PMID: 11379874 (2001) and 19897426 (2010)). Functional studies have shown this variant disrupts anion binding at the CFTR channel pore, but with inconclusive effects on chloride-stimulated conductance (PMID: 12679372 (2003), 17673962 (2007), 25892339 (2015), and 25277268 (2015)). This variant was found to have a modest response to CFTR modulators (PMID: 30046002 (2018)). The frequency of this variant in the general population, 0.0022 (6/2668 chromosomes (Genome Aggregation Database)), is uninformative in the assessment of its pathogenicity. Analysis of this variant using bioinformatics tools for the prediction of the effect of amino acid changes on protein structure and function yielded predictions that this variant is damaging. Based on the available information, we are unable to determine the clinical significance of this variant.

Department of Pathology and Laboratory Medicine, Sinai Health System
Classification: Likely pathogenic for Congenital bilateral aplasia of vas deferens from CFTR mutation; Cystic fibrosis; Bronchiectasis with or without elevated sweat chloride 1. Last evaluated: 2023-03-03. Review status: criteria provided, single submitter. Criteria: ACMG Guidelines, 2015. Collection method: research. Allele origin: germline.

CFTR-France
Classification: Pathogenic for cystic fibrosis; CFTR-related disorders. Last evaluated: 2022-07-01. Review status: criteria provided, single submitter. Criteria: Claustres M et al. (Hum Mutat 2017). Collection method: curation. Allele origin: germline. Affected: yes.
Comment: when the variant is in trans with another CF-causing variation, can either result in CF or in a CFTR-RD

Genome-Nilou Lab
Classification: Likely pathogenic for Cystic fibrosis. Last evaluated: 2021-07-22. Review status: criteria provided, single submitter. Criteria: ACMG Guidelines, 2015. Collection method: clinical testing. Allele origin: germline. Affected: no.

Mayo Clinic Laboratories, Mayo Clinic
Classification: Likely pathogenic. Last evaluated: 2021-07-13. Review status: criteria provided, single submitter. Criteria: ACMG Guidelines, 2015. Collection method: clinical testing. Allele origin: germline.

Genome Diagnostics Laboratory, The Hospital for Sick Children
Classification: Uncertain significance for Cystic fibrosis. Last evaluated: 2020-06-21. Review status: criteria provided, single submitter. Criteria: ACMG Guidelines, 2015. Collection method: clinical testing. Allele origin: germline. Affected: yes.
Comment: This missense variant results in a change of arginine to glutamine at position 334, and in silico programs predict this variant to be damaging. This variant has been previously reported in several CF patients with a CF-causing variant as well as in patients with CFTR-related disorders, such as CBAVD (PMID: 15070876, PMID: 20100616). However, it has also been observed in combination with a pathogenic variant in a single individual in the general adult population (PMID: 19897426). Due to the variability of these findings, it is recommended that clinical criteria alone be used to determine if an individual with this variant has CF. Functional studies have shown this variant to cause a disruption of anion interactions with the CFTR pore resulting in reduced chloride conductance and CFTR function (PMID: 12679372; PMID: 25892339; PMID: 15130785; PMID: 29805046). This variant is observed at an allele frequency of 0.018% in populations of the Genome Aggregation Database (gnomAD). Furthermore, two different missense variants at the same amino acid residue (c.1001G>T, p.Arg334Lys and c.1000C>T, p.Arg334Trp) have previously been reported to be pathogenic. The c.1001G>A variant is classified as a variant of uncertain significance in the context of classic cystic fibrosis, but as a likely pathogenic variant in the context of CFTR-related disorders. (ACMG Criteria: PM2, PM5, PP3)

Eurofins Ntd Llc (ga)
Classification: Uncertain significance. Last evaluated: 2017-08-01. Review status: criteria provided, single submitter. Criteria: EGL Classification Definitions 2015. Collection method: clinical testing. Allele origin: germline. Observed: 1 variant allele, 1 heterozygote.